The following is an entry in ClinVar:

NM_000219.6(KCNE1):c.5T>C (p.Ile2Thr)

Gene: KCNE1 (potassium voltage-gated channel subfamily E regulatory subunit 1; minus strand). Cytogenetic location: 21q22.12.
Variant type: single nucleotide variant.
Coding change: c.5T>C on transcript NM_000219.6 (MANE Select); coding-DNA position 5, T replaced by C.
Protein change: p.Ile2Thr; replaces isoleucine 2 with threonine.
Molecular consequence: missense variant.
Genome position (GRCh38, 1-based): chr21:34,449,630, A>G on the plus strand (T>C on the coding strand, the complement: KCNE1 is on the minus strand). VCF-style: chr21-34449630-A-G. GRCh37 (hg19) VCF-style: chr21-35821928-A-G.
Other names: c.5T>C, p.Ile2Thr (NM_001127668.4, NM_001127669.4, NM_001127670.4 and 4 more transcripts); short protein forms I2T.
Identifiers: ClinVar variation 3373904 (VCV003373904.2).

Conditions:
Long QT syndrome 5 (LQT5). Identifiers: Orphanet 101016, Orphanet 768, MedGen C1867904, MONDO:0013372, OMIM 613695.

Submission:

Roden Lab, Vanderbilt University Medical Center
No classification provided (evidence only). Condition: Long QT syndrome 5. Review status: no classification provided. Collection method: in vitro. Allele origin: not applicable. Functional consequence: Effect on ion channel function.
ClinVar note: "not provided" was previously submitted as the classification for the variant. However, the classification appeared to be based only on an observation of functional data so it was converted to no classification on 2025-07-30.